The following is an entry in ClinVar:

ClinVar aggregate classification (germline): Uncertain significance (1 of 4 stars; one submission).

Conditions:
Hereditary cancer-predisposing syndrome. Also called: Hereditary neoplastic syndrome; Neoplastic Syndromes, Hereditary; Tumor predisposition; Hereditary Cancer Syndrome. Identifiers: Orphanet 140162, MedGen C0027672, MeSH D009386, MONDO:0015356.

Submission:

Ambry Genetics
Classification: Uncertain significance for Hereditary cancer-predisposing syndrome. Last evaluated: 2025-08-27. Review status: criteria provided, single submitter. Criteria: Ambry Variant Classification Scheme 2023. Collection method: clinical testing. Allele origin: germline.
Comment: The p.E195A variant (also known as c.584A>C), located in coding exon 8 of the MUTYH gene, results from an A to C substitution at nucleotide position 584. The glutamic acid at codon 195 is replaced by alanine, an amino acid with dissimilar properties. This amino acid position is conserved. In addition, the in silico prediction for this alteration is inconclusive. Based on the available evidence, the clinical significance of this variant remains unclear.

NM_001048174.2(MUTYH):c.500A>C (p.Glu167Ala)

Gene: MUTYH (mutY DNA glycosylase; minus strand). Cytogenetic location: 1p34.1.
Variant type: single nucleotide variant.
Coding change: c.500A>C on transcript NM_001048174.2 (MANE Select); coding-DNA position 500, A replaced by C.
Protein change: p.Glu167Ala; replaces glutamic acid 167 with alanine.
Molecular consequence: missense variant. On other transcripts: non-coding transcript variant (7).
Genome position (GRCh38, 1-based): chr1:45,332,680, T>G on the plus strand (A>C on the coding strand, the complement: MUTYH is on the minus strand). VCF-style: chr1-45332680-T-G. GRCh37 (hg19) VCF-style: chr1-45798352-T-G.
Other names: c.500A>C, p.Glu167Ala (NM_001048171.2, NM_001048173.2, NM_001293195.2 and 6 more transcripts); c.503A>C, p.Glu168Ala (NM_001048172.2, NM_001407071.1, NM_001407078.1 and 1 more transcripts); c.584A>C, p.Glu195Ala (NM_001128425.2); c.545A>C, p.Glu182Ala (NM_001293190.2); c.533A>C, p.Glu178Ala (NM_001293191.2, NM_001407069.1, NM_001407077.1); c.224A>C, p.Glu75Ala (NM_001293192.2, NM_001293196.2, NM_001407091.1); c.155A>C, p.Glu52Ala (NM_001350650.2, NM_001350651.2, NM_001407082.1); c.416A>C, p.Glu139Ala (NM_001407075.1); and 5 more; short protein forms E181A, E154A, E167A, E168A, E182A, E195A, E75A, E139A.
Identifiers: ClinVar variation 4113740 (VCV004113740.1).